The following is an entry in ClinVar:

ClinVar aggregate classification (germline): Uncertain significance (1 of 4 stars; one submission).

Conditions:
Leigh syndrome (NULS). Also called: Leigh's necrotizing encephalopathy; Leigh's disease; Leigh Syndrome (mtDNA deletion); Leigh Disease; Subacute necrotizing encephalopathy; Necrotizing encephalopathy infantile subacute of Leigh. Identifiers: Orphanet 506, MedGen C2931891, MONDO:0009723, OMIM 256000.

Submission:

Wong Mito Lab, Molecular and Human Genetics, Baylor College of Medicine
Classification: Uncertain significance for Leigh syndrome. Last evaluated: 2019-10-17. Review status: criteria provided, single submitter. Criteria: Modified ACMG Guidelines (Unpublished). Collection method: clinical testing. Allele origin: germline.
Comment: The NC_012920.1:m.8079T>C (YP_003024029.1:p.Val165Ala) variant in MTCO2 gene is interpretated to be a Uncertain Significance variant based on the modified ACMG guidelines (unpublished). This variant meets the following evidence codes: PP7

NC_012920.1(MT-CO2):m.8079T>C

Gene: MT-CO2 (mitochondrially encoded cytochrome c oxidase II; plus strand).
Variant type: single nucleotide variant.
Genome position: chrM-8079-T-C.
Identifiers: ClinVar variation 692819 (VCV000692819.1), dbSNP rs1603221279, ClinGen allele CA414794948.